The following is an entry in ClinVar:

NM_002141.5(HOXA4):c.243G>C (p.Glu81Asp)

Genes: HOXA3 (homeobox A3; minus strand), HOXA4 (homeobox A4; minus strand). Cytogenetic location: 7p15.2.
Variant type: single nucleotide variant.
Coding change: c.243G>C on transcript NM_002141.5 (MANE Select); coding-DNA position 243, G replaced by C.
Protein change: p.Glu81Asp; replaces glutamic acid 81 with aspartic acid.
Molecular consequence: missense variant. On other transcripts: intron variant (7).
Genome position (GRCh38, 1-based): chr7:27,130,491, C>G on the plus strand (G>C on the coding strand, the complement: HOXA4 is on the minus strand). VCF-style: chr7-27130491-C-G. GRCh37 (hg19) VCF-style: chr7-27170110-C-G.
Other names: c.-389-3421G>C (NM_153631.3, NM_001384340.1); c.-505-3421G>C (NM_001384335.1, NM_001384339.1); c.-204-7849G>C (NM_001384336.1, NM_001384338.1); c.-677-3421G>C (NM_001384337.1); short protein forms E81D.
Identifiers: ClinVar variation 3034411 (VCV003034411.2), dbSNP rs761518289, ClinGen allele CA4196801.

ClinVar aggregate classification (germline): Likely benign (0 of 4 stars; one submission).

Conditions:
HOXA4-related disorder. Also called: HOXA4-related condition.

Allele frequency attached by ClinVar (database versions not stated): 1000 Genomes Project 30x 0.00078; gnomAD 0.00127; TOPMed 0.00149; gnomAD exomes 0.00199; ExAC 0.01238.
gnomAD v4.1: 2,427 of 1,279,822 alleles (0.19%); highest among the groups gnomAD compares: Non-Finnish European, 0.22%; 1 homozygote.

Submission:

PreventionGenetics, part of Exact Sciences
Classification: Likely benign for HOXA4-related condition. Last evaluated: 2021-04-09. Review status: no assertion criteria provided. Collection method: clinical testing. Allele origin: germline.
Comment: This variant is classified as likely benign based on ACMG/AMP sequence variant interpretation guidelines (Richards et al. 2015 PMID: 25741868, with internal and published modifications).